The following is an entry in ClinVar:

ClinVar aggregate classification (germline): Uncertain significance (1 of 4 stars; one submission).

Submission:

Labcorp Genetics (formerly Invitae), Labcorp
Classification: Uncertain significance. Last evaluated: 2022-06-13. Review status: criteria provided, single submitter. Criteria: Invitae Variant Classification Sherloc (09022015). Collection method: clinical testing. Allele origin: germline.
Comment: In summary, the available evidence is currently insufficient to determine the role of this variant in disease. Therefore, it has been classified as a Variant of Uncertain Significance. Algorithms developed to predict the effect of missense changes on protein structure and function (SIFT, PolyPhen-2, Align-GVGD) all suggest that this variant is likely to be tolerated. This variant has not been reported in the literature in individuals affected with HMCN1-related conditions. This variant is not present in population databases (gnomAD no frequency). This sequence change replaces alanine, which is neutral and non-polar, with threonine, which is neutral and polar, at codon 4540 of the HMCN1 protein (p.Ala4540Thr).

NM_031935.3(HMCN1):c.13618G>A (p.Ala4540Thr)

Gene: HMCN1 (hemicentin 1; plus strand). Cytogenetic location: 1q31.1.
Variant type: single nucleotide variant.
Coding change: c.13618G>A on transcript NM_031935.3 (MANE Select); coding-DNA position 13618, G replaced by A.
Protein change: p.Ala4540Thr; replaces alanine 4540 with threonine.
Molecular consequence: missense variant.
Genome position (GRCh38, 1-based): chr1:186,137,533, G>A. VCF-style: chr1-186137533-G-A. GRCh37 (hg19) VCF-style: chr1-186106665-G-A.
Other names: short protein forms A4540T.
Identifiers: ClinVar variation 1978293 (VCV001978293.4), dbSNP rs2528096574, ClinGen allele CA343911428.